The following is an entry in ClinVar:

ClinVar aggregate classification (germline): Conflicting classifications of pathogenicity. Review status: criteria provided, conflicting classifications (1 of 4 stars). 10 submissions from 10 submitters: Uncertain significance (7); Likely benign (2). 1 of the submissions does not count toward it. Last evaluated 2026-01-07.

Conditions:
Hereditary cancer-predisposing syndrome. Also called: Neoplastic Syndromes, Hereditary; Tumor predisposition; Hereditary Cancer Syndrome; Hereditary neoplastic syndrome. Identifiers: Orphanet 140162, MedGen C0027672, MeSH D009386, MONDO:0015356.
Juvenile polyposis syndrome (JPS). Identifiers: Orphanet 2929, MedGen C0345893, MONDO:0017380, OMIM 174900.
Familial thoracic aortic aneurysm and aortic dissection (TAAD). Also called: Thoracic aortic aneurysms and dissections. Identifiers: Orphanet 91387, MedGen C4707243, MONDO:0019625.
Juvenile polyposis/hereditary hemorrhagic telangiectasia syndrome (JPHT). Also called: POLYPOSIS, GENERALIZED JUVENILE, WITH PULMONARY ARTERIOVENOUS MALFORMATION; TELANGIECTASIA, HEREDITARY HEMORRHAGIC, WITH JUVENILE POLYPOSIS COLI; JP/HHT SYNDROME; JUVENILE POLYPOSIS WITH HEREDITARY HEMORRHAGIC TELANGIECTASIA; Juvenile Polyposis Syndrome / Hereditary Hemorrhagic Telangiectasia (JPS/HHT). Identifiers: Orphanet 2929, MedGen C1832942, MONDO:0008278, OMIM 175050.

Allele frequency attached by ClinVar (database versions not stated): ExAC 0.00001; TOPMed 0.00001; gnomAD exomes 0.00002.
gnomAD v4.1: 11 of 1,614,128 alleles (0.00068%); highest among the groups gnomAD compares: Non-Finnish European, 0.00025%; no homozygotes.

Submissions (10):

Labcorp Genetics (formerly Invitae), Labcorp
Classification: Likely benign for Juvenile polyposis syndrome. Last evaluated: 2026-01-07. Review status: criteria provided, single submitter. Criteria: Invitae Variant Classification Sherloc (09022015). Collection method: clinical testing. Allele origin: germline.

Color Diagnostics, LLC DBA Color Health
Classification: Uncertain significance for Hereditary cancer-predisposing syndrome. Last evaluated: 2025-11-25. Review status: criteria provided, single submitter. Criteria: ACMG Guidelines, 2015. Collection method: clinical testing. Allele origin: germline.
Comment: This missense variant replaces threonine with isoleucine at codon 192 of the SMAD4 protein. Computational prediction suggests that this variant may not impact protein structure and function. To our knowledge, functional studies have not been reported for this variant. This variant has been reported in an individual affected with breast cancer (PMID: 25186627) and a patient with an unspecified cancer (PMID: 28873162). This variant has been identified in 11/1614128 chromosomes in the general population by the Genome Aggregation Database (gnomAD). The available evidence is insufficient to determine the role of this variant in disease conclusively. Therefore, this variant is classified as a Variant of Uncertain Significance.

Women's Health and Genetics/Laboratory Corporation of America, LabCorp
Classification: Uncertain significance. Last evaluated: 2024-08-23. Review status: criteria provided, single submitter. Criteria: LabCorp Variant Classification Summary - May 2015. Collection method: clinical testing. Allele origin: germline.
Comment: Variant summary: SMAD4 c.575C>T (p.Thr192Ile) results in a non-conservative amino acid change in the encoded protein sequence. Four of five in-silico tools predict a benign effect of the variant on protein function. The variant allele was found at a frequency of 1.6e-05 in 251488 control chromosomes (gnomAD). The available data on variant occurrences in the general population are insufficient to allow any conclusion about variant significance. c.575C>T has been reported in the literature in individuals affected with cancer without cosegregation information (e.g. Tung_2015, Mandelker_2017). These reports do not provide unequivocal conclusions about association of the variant with Juvenile Polyposis Syndrome. To our knowledge, no experimental evidence demonstrating an impact on protein function has been reported. The following publications have been ascertained in the context of this evaluation (PMID: 25186627, 28873162). ClinVar contains an entry for this variant (Variation ID: 136076). Based on the evidence outlined above, the variant was classified as uncertain significance.

GeneDx
Classification: Uncertain significance. Last evaluated: 2024-04-02. Review status: criteria provided, single submitter. Criteria: GeneDx Variant Classification Process June 2021. Collection method: clinical testing. Allele origin: germline. Affected: yes.
Comment: In silico analysis supports that this missense variant does not alter protein structure/function; Observed in individuals with breast or other cancer (PMID: 25186627, 28873162); This variant is associated with the following publications: (PMID: 25186627, 25742471, 28873162, 15235019, 18823382, 22992590)

Baylor Genetics
Classification: Uncertain significance for Juvenile polyposis/hereditary hemorrhagic telangiectasia syndrome. Last evaluated: 2023-11-03. Review status: criteria provided, single submitter. Criteria: ACMG Guidelines, 2015. Collection method: clinical testing. Allele origin: unknown.

All of Us Research Program, National Institutes of Health
Classification: Uncertain significance for Juvenile polyposis/hereditary hemorrhagic telangiectasia syndrome. Last evaluated: 2023-08-28. Review status: criteria provided, single submitter. Criteria: ACMG Guidelines, 2015. Collection method: clinical testing. Allele origin: germline. Inheritance: Autosomal dominant inheritance. Observed: 3 variant alleles, 3 heterozygotes.
Comment: This missense variant replaces threonine with isoleucine at codon 192 of the SMAD4 protein. Computational prediction suggests that this variant may not impact protein structure and function (internally defined REVEL score threshold <= 0.5, PMID: 27666373). To our knowledge, functional studies have not been reported for this variant. This variant has been reported in an individual affected with breast cancer (PMID: 25186627) and a patient with advanced cancer (PMID: 28873162). This variant has also been identified in 4/251488 chromosomes in the general population by the Genome Aggregation Database (gnomAD). The available evidence is insufficient to determine the role of this variant in disease conclusively. Therefore, this variant is classified as a Variant of Uncertain Significance.

This study involves interpretation of variants in research participants for the purpose of population health screening. Participant phenotype was not available at the time of variant classification. Additional details can be found in publication PMID: 35346344, PMCID: PMC8962531

Myriad Genetics, Inc.
Classification: Uncertain significance for Juvenile polyposis/hereditary hemorrhagic telangiectasia syndrome. Last evaluated: 2023-04-10. Review status: criteria provided, single submitter. Criteria: Myriad Autosomal Dominant, Autosomal Recessive and X-Linked Classification Criteria (2023). Collection method: clinical testing. Allele origin: unknown.
Comment: This variant is classified as a variant of uncertain significance as there is insufficient evidence to determine its impact on protein function and/or cancer risk.

Ambry Genetics
Classification: Likely benign for Hereditary cancer-predisposing syndrome; Familial thoracic aortic aneurysm and aortic dissection. Last evaluated: 2022-11-16. Review status: criteria provided, single submitter. Criteria: Ambry Variant Classification Scheme 2023. Collection method: clinical testing. Allele origin: germline.

Sema4
Classification: Uncertain significance for Hereditary cancer-predisposing syndrome. Last evaluated: 2021-05-03. Review status: criteria provided, single submitter. Criteria: Sema4 Curation Guidelines. Collection method: curation. Allele origin: germline.
Comment: The SMAD4 c.575C>T (p.T192I) variant has been reported in heterozygosity in at least two individuals with breast cancer or other unspecified cancer type (PMID: 25186627, 28873162). This variant was observed in 4/10080 chromosomes in the Ashkenazi Jewish population, according to the Genome Aggregation Database (PMID: 32461654) and has been reported in ClinVar (Variation ID: 136076). This variant involves a weakly conserved amino acid, and computational analyses suggest that the variant does not impact the function of protein, however these predictions have not been confirmed by published functional studies. Based on the current evidence available, this variant is interpreted as a variant of uncertain significance.

Counsyl
Classification: Uncertain significance for Juvenile polyposis syndrome. Last evaluated: 2017-06-13. Review status: no assertion criteria provided. Collection method: clinical testing. Allele origin: unknown. Not counted in ClinVar's aggregate classification.

Literature cited by the submitters: PubMed 25186627 (cited by 5 submitters); PubMed 28873162 (cited by 4 submitters).

NM_005359.6(SMAD4):c.575C>T (p.Thr192Ile)

Gene: SMAD4 (SMAD family member 4; plus strand). Cytogenetic location: 18q21.2.
Variant type: single nucleotide variant.
Coding change: c.575C>T on transcript NM_005359.6 (MANE Select); coding-DNA position 575, C replaced by T.
Protein change: p.Thr192Ile; replaces threonine 192 with isoleucine.
Molecular consequence: missense variant.
Genome position (GRCh38, 1-based): chr18:51,054,901, C>T. VCF-style: chr18-51054901-C-T. GRCh37 (hg19) VCF-style: chr18-48581271-C-T.
Other names: short protein forms T192I.
Identifiers: ClinVar variation 136076 (VCV000136076.31), dbSNP rs587780792, ClinGen allele CA332848.